The following is an entry in ClinVar:

NM_001041.4(SI):c.1175T>G (p.Met392Arg)

Gene: SI (sucrase-isomaltase; minus strand). Cytogenetic location: 3q26.1.
Variant type: single nucleotide variant.
Coding change: c.1175T>G on transcript NM_001041.4 (MANE Select); coding-DNA position 1175, T replaced by G.
Protein change: p.Met392Arg; replaces methionine 392 with arginine.
Molecular consequence: missense variant.
Genome position (GRCh38, 1-based): chr3:165,059,271, A>C on the plus strand (T>G on the coding strand, the complement: SI is on the minus strand). VCF-style: chr3-165059271-A-C. GRCh37 (hg19) VCF-style: chr3-164777059-A-C.
Other names: c.1175T>G (NM_001041.3); short protein forms M392R.
Identifiers: ClinVar variation 2016994 (VCV002016994.5), dbSNP rs756770749, ClinGen allele CA355029939.

ClinVar aggregate classification (germline): Uncertain significance (1 of 4 stars; one submission).

Conditions:
Sucrase-isomaltase deficiency (CSID). Also called: Deficiency of isomaltase; Congenital sucrose isomaltose malabsorption; Sucrose isomaltose enzyme deficiency; SI DEFICIENCY. Identifiers: Orphanet 35122, MedGen C1283620, MONDO:0009114, OMIM 222900.

Submission:

Labcorp Genetics (formerly Invitae), Labcorp
Classification: Uncertain significance. Last evaluated: 2022-07-14. Review status: criteria provided, single submitter. Criteria: Invitae Variant Classification Sherloc (09022015). Collection method: clinical testing. Allele origin: germline.
Comment: In summary, the available evidence is currently insufficient to determine the role of this variant in disease. Therefore, it has been classified as a Variant of Uncertain Significance. Advanced modeling of protein sequence and biophysical properties (such as structural, functional, and spatial information, amino acid conservation, physicochemical variation, residue mobility, and thermodynamic stability) performed at Invitae indicates that this missense variant is expected to disrupt SI protein function. This variant has not been reported in the literature in individuals affected with SI-related conditions. This variant is not present in population databases (gnomAD no frequency). This sequence change replaces methionine, which is neutral and non-polar, with arginine, which is basic and polar, at codon 392 of the SI protein (p.Met392Arg).